The following is an entry in ClinVar:

ClinVar aggregate classification (germline): Uncertain significance (1 of 4 stars; one submission).

Submission:

Labcorp Genetics (formerly Invitae), Labcorp
Classification: Uncertain significance. Last evaluated: 2022-07-02. Review status: criteria provided, single submitter. Criteria: Invitae Variant Classification Sherloc (09022015). Collection method: clinical testing. Allele origin: germline.
Comment: This sequence change replaces valine, which is neutral and non-polar, with aspartic acid, which is acidic and polar, at codon 168 of the LRP2 protein (p.Val168Asp). In summary, the available evidence is currently insufficient to determine the role of this variant in disease. Therefore, it has been classified as a Variant of Uncertain Significance. Advanced modeling of protein sequence and biophysical properties (such as structural, functional, and spatial information, amino acid conservation, physicochemical variation, residue mobility, and thermodynamic stability) performed at Invitae indicates that this missense variant is not expected to disrupt LRP2 protein function. This variant has not been reported in the literature in individuals affected with LRP2-related conditions. This variant is not present in population databases (gnomAD no frequency).

NM_004525.3(LRP2):c.503T>A (p.Val168Asp)

Gene: LRP2 (LDL receptor related protein 2; minus strand). Cytogenetic location: 2q31.1.
Variant type: single nucleotide variant.
Coding change: c.503T>A on transcript NM_004525.3 (MANE Select); coding-DNA position 503, T replaced by A.
Protein change: p.Val168Asp; replaces valine 168 with aspartic acid.
Molecular consequence: missense variant.
Genome position (GRCh38, 1-based): chr2:169,294,635, A>T on the plus strand (T>A on the coding strand, the complement: LRP2 is on the minus strand). VCF-style: chr2-169294635-A-T. GRCh37 (hg19) VCF-style: chr2-170151145-A-T.
Other names: short protein forms V168D.
Identifiers: ClinVar variation 1998157 (VCV001998157.4), dbSNP rs2528570506, ClinGen allele CA349163946.
Genomic context (GRCh38, chr2:169,294,635, plus strand): 5'-TGCACATCTTGTGCACAATACTTACTGCAGTTGATTTCATCTGAGGAGTCCCTGCAATCA[A>T]CTTTCCAATCACACTTCTGACTGGTGTTATAGCAGGCCCCATTGTCACAAGTAAGCTGCT-3'
Protein context (NP_004516.2, residues 158-178): YNTSQKCDWK[Val168Asp]DCRDSSDEIN